The following is an entry in ClinVar:

NM_004415.4(DSP):c.2211A>C (p.Glu737Asp)

Gene: DSP (desmoplakin; plus strand). Cytogenetic location: 6p24.3.
Variant type: single nucleotide variant.
Coding change: c.2211A>C on transcript NM_004415.4 (MANE Select); coding-DNA position 2211, A replaced by C.
Protein change: p.Glu737Asp; replaces glutamic acid 737 with aspartic acid.
Molecular consequence: missense variant.
Genome position (GRCh38, 1-based): chr6:7,574,166, A>C. VCF-style: chr6-7574166-A-C. GRCh37 (hg19) VCF-style: chr6-7574399-A-C.
Other names: c.2211A>C, p.Glu737Asp (NM_001008844.3, NM_001319034.2); short protein forms E737D.
Identifiers: ClinVar variation 3252763 (VCV003252763.2), dbSNP rs2533903587.
Genomic context (GRCh38, chr6:7,574,166, plus strand): 5'-AGCAATTGCTGAGGTTCTCAACCAGCTTAAAGATATGCTTGCCAACTTCAGAGGTTCTGA[A>C]AAGTACTGCTATTTACAGAATGAAGTATTTGGACTATTTCAGAAACTGGAAAATATCAAT-3'
Protein context (NP_004406.2, residues 727-747): KDMLANFRGS[Glu737Asp]KYCYLQNEVF

ClinVar aggregate classification (germline): Uncertain significance. Review status: criteria provided, multiple submitters, no conflicts (2 of 4 stars). 2 submissions from 2 submitters: Uncertain significance (2). Last evaluated 2025-07-14.

Conditions:
Cardiomyopathy (CMYO). Also called: Cardiomyopathies. Identifiers: Orphanet 167848, MedGen C0878544, MONDO:0004994, HP:0001638. Inheritance: Various modes of inheritance.

Submissions (2):

Color Diagnostics, LLC DBA Color Health
Classification: Uncertain significance for Cardiomyopathy. Last evaluated: 2025-07-14. Review status: criteria provided, single submitter. Criteria: ACMG Guidelines, 2015. Collection method: clinical testing. Allele origin: germline.
Comment: This missense variant replaces glutamic acid with aspartic acid at codon 737 of the DSP protein. Computational prediction suggests that this variant may not impact protein structure and function. To our knowledge, functional studies have not been reported for this variant. This variant has not been reported in individuals affected with DSP-related disorders in the literature. This variant has not been identified in the general population by the Genome Aggregation Database (gnomAD). The available evidence is insufficient to determine the role of this variant in disease conclusively. Therefore, this variant is classified as a Variant of Uncertain Significance.

GeneDx
Classification: Uncertain significance. Last evaluated: 2024-01-04. Review status: criteria provided, single submitter. Criteria: GeneDx Variant Classification Process June 2021. Collection method: clinical testing. Allele origin: germline. Affected: yes.
Comment: Has not been previously published as pathogenic or benign to our knowledge; Not observed at significant frequency in large population cohorts (gnomAD); In silico analysis supports that this missense variant does not alter protein structure/function